The following is an entry in ClinVar:

ClinVar aggregate classification (germline): Uncertain significance. Review status: criteria provided, multiple submitters, no conflicts (2 of 4 stars). 2 submissions from 2 submitters: Uncertain significance (2). Last evaluated 2023-03-19.

Conditions:
Inborn genetic diseases. Identifiers: MedGen C0950123, MeSH D030342.

Allele frequency attached by ClinVar (database versions not stated): ExAC 0.00001; TOPMed 0.00001; gnomAD 0.00002; gnomAD exomes 0.00004.
gnomAD v4.1: 64 of 1,606,296 alleles (0.004%); highest among the groups gnomAD compares: Middle Eastern, 0.016%; no homozygotes.

Submissions (2):

GeneDx
Classification: Uncertain significance. Last evaluated: 2023-03-19. Review status: criteria provided, single submitter. Criteria: GeneDx Variant Classification Process June 2021. Collection method: clinical testing. Allele origin: germline. Affected: yes.
Comment: In silico analysis supports that this missense variant does not alter protein structure/function; Has not been previously published as pathogenic or benign to our knowledge

Ambry Genetics
Classification: Uncertain significance for Inborn genetic diseases. Last evaluated: 2022-09-07. Review status: criteria provided, single submitter. Criteria: Ambry Variant Classification Scheme 2023. Collection method: clinical testing. Allele origin: germline.

NM_014727.3(KMT2B):c.4241G>A (p.Arg1414His)

Gene: KMT2B (lysine methyltransferase 2B; plus strand). Cytogenetic location: 19q13.12.
Variant type: single nucleotide variant.
Coding change: c.4241G>A on transcript NM_014727.3 (MANE Select); coding-DNA position 4241, G replaced by A.
Protein change: p.Arg1414His; replaces arginine 1414 with histidine.
Molecular consequence: missense variant.
Genome position (GRCh38, 1-based): chr19:35,727,561, G>A. VCF-style: chr19-35727561-G-A. GRCh37 (hg19) VCF-style: chr19-36218462-G-A.
Other names: c.4241G>A (NM_014727.2); short protein forms R1414H.
Identifiers: ClinVar variation 2311267 (VCV002311267.3), dbSNP rs762074423, ClinGen allele CA9385016.